The following is an entry in ClinVar:

NM_000535.7(PMS2):c.2098C>A (p.Gln700Lys)

Gene: PMS2 (PMS1 homolog 2, mismatch repair system component; minus strand). Cytogenetic location: 7p22.1.
Variant type: single nucleotide variant.
Coding change: c.2098C>A on transcript NM_000535.7 (MANE Select); coding-DNA position 2098, C replaced by A.
Protein change: p.Gln700Lys; replaces glutamine 700 with lysine.
Molecular consequence: missense variant. On other transcripts: non-coding transcript variant (1).
Genome position (GRCh38, 1-based): chr7:5,982,900, G>T on the plus strand (C>A on the coding strand, the complement: PMS2 is on the minus strand). VCF-style: chr7-5982900-G-T. GRCh37 (hg19) VCF-style: chr7-6022531-G-T.
Other names: c.2098C>A (NM_000535.5); c.1693C>A, p.Gln565Lys (NM_001322003.2, NM_001322004.2, NM_001322005.2 and 1 more transcripts); c.1942C>A, p.Gln648Lys (NM_001322006.2); c.1780C>A, p.Gln594Lys (NM_001322007.2, NM_001322008.2); c.1537C>A, p.Gln513Lys (NM_001322010.2); c.1165C>A, p.Gln389Lys (NM_001322011.2, NM_001322012.2); c.1525C>A, p.Gln509Lys (NM_001322013.2); c.2098C>A, p.Gln700Lys (NM_001322014.2); and 1 more; short protein forms Q389K, Q509K, Q513K, Q565K, Q594K, Q597K, Q648K, Q700K.
Identifiers: ClinVar variation 1055433 (VCV001055433.3), dbSNP rs1782451817, ClinGen allele CA366738003.

ClinVar aggregate classification (germline): Uncertain significance. Review status: criteria provided, multiple submitters, no conflicts (2 of 4 stars). 2 submissions from 2 submitters: Uncertain significance (2). Last evaluated 2025-05-04.

Conditions:
Hereditary nonpolyposis colorectal neoplasms. Identifiers: MedGen C0009405, MeSH D003123.
Hereditary cancer-predisposing syndrome. Also called: Hereditary Cancer Syndrome; Tumor predisposition; Hereditary neoplastic syndrome; Neoplastic Syndromes, Hereditary. Identifiers: Orphanet 140162, MedGen C0027672, MeSH D009386, MONDO:0015356.

Allele frequency attached by ClinVar (database versions not stated): TOPMed below 0.00001; gnomAD 0.00001.

Submissions (2):

Ambry Genetics
Classification: Uncertain significance for Hereditary cancer-predisposing syndrome. Last evaluated: 2025-05-04. Review status: criteria provided, single submitter. Criteria: Ambry Variant Classification Scheme 2023. Collection method: clinical testing. Allele origin: germline.
Comment: The p.Q700K variant (also known as c.2098C>A), located in coding exon 12 of the PMS2 gene, results from a C to A substitution at nucleotide position 2098. The glutamine at codon 700 is replaced by lysine, an amino acid with similar properties. This amino acid position is highly conserved in available vertebrate species. In addition, this alteration is predicted to be deleterious by in silico analysis. Based on the available evidence, the clinical significance of this variant remains unclear.

Labcorp Genetics (formerly Invitae), Labcorp
Classification: Uncertain significance for Hereditary nonpolyposis colorectal neoplasms. Last evaluated: 2020-02-04. Review status: criteria provided, single submitter. Criteria: Invitae Variant Classification Sherloc (09022015). Collection method: clinical testing. Allele origin: germline.
Comment: The location of this variant in this individual is uncertain. It could create a missense change (c.2098C>A, p.Gln700Lys) in exon 12 of the PMS2 gene, or a variant in exon 3 of the PMS2CL pseudogene. Until the location of this sequence change can be resolved, the clinical significance of this variant remains uncertain. It has been classified as a Variant of Uncertain Significance.